The following is an entry in ClinVar:

NC_000007.13:g.(?_6026370)_(6048650_?)dup

Gene: PMS2 (PMS1 homolog 2, mismatch repair system component; minus strand). Cytogenetic location: 7p22.1.
Variant type: Duplication.
Identifiers: ClinVar variation 3245667 (VCV003245667.1).

ClinVar aggregate classification (germline): Uncertain significance (1 of 4 stars; one submission).

Conditions:
Hereditary nonpolyposis colorectal neoplasms. Identifiers: MedGen C0009405, MeSH D003123.

Submission:

Labcorp Genetics (formerly Invitae), Labcorp
Classification: Uncertain significance for Hereditary nonpolyposis colorectal neoplasms. Last evaluated: 2024-01-19. Review status: criteria provided, single submitter. Criteria: Invitae Variant Classification Sherloc (09022015). Collection method: clinical testing. Allele origin: unknown.
Comment: A copy number gain of the genomic region encompassing the full coding sequence of the PMS2 gene has been identified. The boundaries of this event are unknown as they extend beyond the assayed region for this gene and therefore may encompass additional genes. As the precise location of this event is unknown, it may be in tandem or it may be located elsewhere in the genome. Whole gene copy number gains of PMS2 have not been published in the literature. A copy number gain encompassing at least exons 1-12 of the PMS2 gene has been reported in an individual diagnosed with colorectal cancer, but it is unclear if exons 13-15 of PMS2 were included in the analysis. High levels of microsatellite instability and loss of PMS2 protein were found in the tumor (PMID: 22120844). Experimental studies and prediction algorithms are not available or were not evaluated, and the functional significance of this variant is currently unknown. In summary, the available evidence is currently insufficient to determine the role of this variant in disease. Therefore, it has been classified as a Variant of Uncertain Significance.

Literature cited by the submitters: PubMed 22120844.